The following is an entry in ClinVar:

NM_005422.4(TECTA):c.1486G>A (p.Asp496Asn)

Genes: TBCEL-TECTA (TBCEL-TECTA readthrough; plus strand), TECTA (tectorin alpha; plus strand). Cytogenetic location: 11q23.3.
Variant type: single nucleotide variant.
Coding change: c.1486G>A on transcript NM_005422.4 (MANE Select); coding-DNA position 1486, G replaced by A.
Protein change: p.Asp496Asn; replaces aspartic acid 496 with asparagine.
Molecular consequence: missense variant.
Genome position (GRCh38, 1-based): chr11:121,125,584, G>A. VCF-style: chr11-121125584-G-A. GRCh37 (hg19) VCF-style: chr11-120996293-G-A.
Other names: c.2443G>A, p.Asp815Asn (NM_001378761.1); short protein forms D496N, D815N.
Identifiers: ClinVar variation 3902852 (VCV003902852.2).

ClinVar aggregate classification (germline): Uncertain significance (1 of 4 stars; one submission).

gnomAD v4.1: 39 of 1,613,840 alleles (0.0024%); highest among the groups gnomAD compares: Non-Finnish European, 0.0031%; no homozygotes.

Submission:

GeneDx
Classification: Uncertain significance. Last evaluated: 2026-04-06. Review status: criteria provided, single submitter. Criteria: GeneDx Variant Classification Process June 2021. Collection method: clinical testing. Allele origin: germline.
Comment: In silico analysis suggests that this missense variant does not alter protein structure/function; Has not been previously published as pathogenic or benign to our knowledge; This variant is associated with the following publications: (PMID: 21520338, 9590290, 31554319, 17661817)